The following is an entry in ClinVar:

ClinVar aggregate classification (germline): Conflicting classifications of pathogenicity. Review status: criteria provided, conflicting classifications (1 of 4 stars). 2 submissions from 2 submitters: Uncertain significance (1); Likely benign (1). Last evaluated 2025-11-20.

Conditions:
Hereditary cancer-predisposing syndrome. Also called: Hereditary Cancer Syndrome; Neoplastic Syndromes, Hereditary; Hereditary neoplastic syndrome; Tumor predisposition. Identifiers: Orphanet 140162, MedGen C0027672, MeSH D009386, MONDO:0015356.
Cardiovascular phenotype. Identifiers: MedGen CN230736.
Neurofibromatosis, type 1 (NF1). Also called: Peripheral type neurofibromatosis; Neurofibromatosis, type I; NEUROFIBROMATOSIS, TYPE I, SOMATIC; VON RECKLINGHAUSEN DISEASE. Identifiers: Orphanet 636, MedGen C0027831, MONDO:0018975, OMIM 162200. Disease mechanism: loss of function.

Allele frequency attached by ClinVar (database versions not stated): gnomAD exomes below 0.00001.
gnomAD v4.1: 3 of 1,611,924 alleles (0.00019%); highest among the groups gnomAD compares: South Asian, 0.0011%; no homozygotes.

Submissions (2):

Ambry Genetics
Classification: Likely benign for Cardiovascular phenotype; Hereditary cancer-predisposing syndrome. Last evaluated: 2025-11-20. Review status: criteria provided, single submitter. Criteria: Ambry Variant Classification Scheme 2023. Collection method: clinical testing. Allele origin: germline.

Labcorp Genetics (formerly Invitae), Labcorp
Classification: Uncertain significance for Neurofibromatosis, type 1. Last evaluated: 2024-04-02. Review status: criteria provided, single submitter. Criteria: Invitae Variant Classification Sherloc (09022015). Collection method: clinical testing. Allele origin: germline.
Comment: This sequence change replaces serine, which is neutral and polar, with asparagine, which is neutral and polar, at codon 821 of the NF1 protein (p.Ser821Asn). This variant is not present in population databases (gnomAD no frequency). This variant has not been reported in the literature in individuals affected with NF1-related conditions. ClinVar contains an entry for this variant (Variation ID: 821317). Advanced modeling of protein sequence and biophysical properties (such as structural, functional, and spatial information, amino acid conservation, physicochemical variation, residue mobility, and thermodynamic stability) performed at Invitae indicates that this missense variant is not expected to disrupt NF1 protein function with a negative predictive value of 95%. In summary, the available evidence is currently insufficient to determine the role of this variant in disease. Therefore, it has been classified as a Variant of Uncertain Significance.

NM_001042492.3(NF1):c.2462G>A (p.Ser821Asn)

Gene: NF1 (neurofibromin 1; plus strand). Cytogenetic location: 17q11.2.
Variant type: single nucleotide variant.
Coding change: c.2462G>A on transcript NM_001042492.3 (MANE Select); coding-DNA position 2462, G replaced by A.
Protein change: p.Ser821Asn; replaces serine 821 with asparagine.
Molecular consequence: missense variant.
Genome position (GRCh38, 1-based): chr17:31,229,077, G>A. VCF-style: chr17-31229077-G-A. GRCh37 (hg19) VCF-style: chr17-29556095-G-A.
Other names: c.2462G>A, p.Ser821Asn (NM_000267.4); short protein forms S821N.
Identifiers: ClinVar variation 821317 (VCV000821317.7), dbSNP rs1303972238, ClinGen allele CA398983963.